The following is an entry in ClinVar:

NM_201525.4(ADGRG1):c.1792C>T (p.Gln598Ter)

Gene: ADGRG1 (adhesion G protein-coupled receptor G1; plus strand). Cytogenetic location: 16q21.
Variant type: single nucleotide variant.
Coding change: c.1792C>T on transcript NM_201525.4 (MANE Select); coding-DNA position 1792, C replaced by T.
Protein change: p.Gln598Ter; replaces glutamine 598 with a stop codon.
Molecular consequence: nonsense.
Genome position (GRCh38, 1-based): chr16:57,661,824, C>T. VCF-style: chr16-57661824-C-T. GRCh37 (hg19) VCF-style: chr16-57695736-C-T.
Other names: c.1792C>T, p.Gln598Ter (NM_001145770.3, NM_001145772.3, NM_001145774.3 and 7 more transcripts); c.1810C>T, p.Gln604Ter (NM_001145771.3, NM_001370428.1, NM_001370429.1 and 4 more transcripts); c.1807C>T, p.Gln603Ter (NM_001145773.3, NM_001370433.1, NM_001370434.1); c.1300C>T, p.Gln434Ter (NM_001290142.2); c.1285C>T, p.Gln429Ter (NM_001290143.2); c.1267C>T, p.Gln423Ter (NM_001290144.2, NM_001370451.1, NM_001370453.1 and 1 more transcripts); c.1636C>T, p.Gln546Ter (NM_001370442.1); c.1789C>T, p.Gln597Ter (NM_001370441.1); short protein forms Q434*, Q546*, Q603*, Q604*, Q597*, Q423*, Q429*, Q598*.
Identifiers: ClinVar variation 2859765 (VCV002859765.3), dbSNP rs749338996, ClinGen allele CA396053626.

ClinVar aggregate classification (germline): Pathogenic (1 of 4 stars; one submission).

Submission:

Labcorp Genetics (formerly Invitae), Labcorp
Classification: Pathogenic. Last evaluated: 2023-04-27. Review status: criteria provided, single submitter. Criteria: Invitae Variant Classification Sherloc (09022015). Collection method: clinical testing. Allele origin: germline.
Comment: For these reasons, this variant has been classified as Pathogenic. This variant has not been reported in the literature in individuals affected with ADGRG1-related conditions. This variant is not present in population databases (gnomAD no frequency). This sequence change creates a premature translational stop signal (p.Gln604*) in the ADGRG1 gene. It is expected to result in an absent or disrupted protein product. Loss-of-function variants in ADGRG1 are known to be pathogenic (PMID: 15044805, 20929962).

Literature cited by the submitters: PubMed 15044805; PubMed 20929962.